The following is an entry in ClinVar:

ClinVar aggregate classification (germline): Uncertain significance (1 of 4 stars; one submission).

Conditions:
Inborn genetic diseases. Identifiers: MedGen C0950123, MeSH D030342.

Allele frequency attached by ClinVar (database versions not stated): gnomAD exomes below 0.00001.
gnomAD v4.1: 1 of 1,614,096 alleles (0.000062%); highest among the groups gnomAD compares: Non-Finnish European, 0.000085%; no homozygotes.

Submission:

Ambry Genetics
Classification: Uncertain significance for Inborn genetic diseases. Last evaluated: 2025-01-05. Review status: criteria provided, single submitter. Criteria: Ambry Variant Classification Scheme 2023. Collection method: clinical testing. Allele origin: germline.
Comment: The p.T596I variant (also known as c.1787C>T), located in coding exon 8 of the MECOM gene, results from a C to T substitution at nucleotide position 1787. The threonine at codon 596 is replaced by isoleucine, an amino acid with similar properties. This amino acid position is conserved. In addition, the in silico prediction for this alteration is inconclusive. Based on the available evidence, the clinical significance of this variant remains unclear.

NM_004991.4(MECOM):c.1787C>T (p.Thr596Ile)

Gene: MECOM (MDS1 and EVI1 complex locus; minus strand). Cytogenetic location: 3q26.2.
Variant type: single nucleotide variant.
Coding change: c.1787C>T on transcript NM_004991.4 (MANE Select); coding-DNA position 1787, C replaced by T.
Protein change: p.Thr596Ile; replaces threonine 596 with isoleucine.
Molecular consequence: missense variant. On other transcripts: intron variant (2).
Genome position (GRCh38, 1-based): chr3:169,116,085, G>A on the plus strand (C>T on the coding strand, the complement: MECOM is on the minus strand). VCF-style: chr3-169116085-G-A. GRCh37 (hg19) VCF-style: chr3-168833873-G-A.
Other names: c.1418C>T, p.Thr473Ile (NM_001105077.4); c.1223C>T, p.Thr408Ile (NM_001105078.4, NM_001164000.2, NM_001205194.2 and 4 more transcripts); c.1226C>T, p.Thr409Ile (NM_001163999.2, NM_001366467.2, NM_001366468.2 and 1 more transcripts); c.1787C>T, p.Thr596Ile (NM_001366466.2); c.1133-318C>T (NM_001366473.2); c.569-318C>T (NM_001366474.2); short protein forms T408I, T409I, T596I, T473I.
Identifiers: ClinVar variation 3124828 (VCV003124828.2), dbSNP rs1385687806, ClinGen allele CA355061215.
Genomic context (GRCh38, chr3:169,116,085, plus strand): 5'-CCATTTTCTTTAAATTTCTCTTTATCACTTTCAATGTCACTTTCCAGATCAGAGCCCGAG[G>A]TTGTTTCCAGGTCACTGCCACTTGGTGTACTGACATCATCAAGGTCACTACTCTCTGACT-3'
Protein context (NP_004982.2, residues 586-606): STPSGSDLET[Thr596Ile]SGSDLESDIE